The following is an entry in ClinVar:

NM_001042492.3(NF1):c.4655A>G (p.Lys1552Arg)

Gene: NF1 (neurofibromin 1; plus strand). Cytogenetic location: 17q11.2.
Variant type: single nucleotide variant.
Coding change: c.4655A>G on transcript NM_001042492.3 (MANE Select); coding-DNA position 4655, A replaced by G.
Protein change: p.Lys1552Arg; replaces lysine 1552 with arginine.
Molecular consequence: missense variant.
Genome position (GRCh38, 1-based): chr17:31,261,788, A>G. VCF-style: chr17-31261788-A-G. GRCh37 (hg19) VCF-style: chr17-29588806-A-G.
Other names: c.4592A>G, p.Lys1531Arg (NM_000267.4); short protein forms K1531R, K1552R.
Identifiers: ClinVar variation 584931 (VCV000584931.14), dbSNP rs1172780277, ClinGen allele CA399000383.

ClinVar aggregate classification (germline): Uncertain significance. Review status: criteria provided, multiple submitters, no conflicts (2 of 4 stars). 5 submissions from 5 submitters: Uncertain significance (5). Last evaluated 2026-03-31.

Conditions:
Hereditary cancer-predisposing syndrome. Also called: Neoplastic Syndromes, Hereditary; Hereditary Cancer Syndrome; Hereditary neoplastic syndrome; Tumor predisposition. Identifiers: Orphanet 140162, MedGen C0027672, MeSH D009386, MONDO:0015356.
Cardiovascular phenotype. Identifiers: MedGen CN230736.
Neurofibromatosis, type 1 (NF1). Also called: Peripheral type neurofibromatosis; Neurofibromatosis, type I; VON RECKLINGHAUSEN DISEASE; NEUROFIBROMATOSIS, TYPE I, SOMATIC. Identifiers: Orphanet 636, MedGen C0027831, MONDO:0018975, OMIM 162200. Disease mechanism: loss of function.

Allele frequency attached by ClinVar (database versions not stated): gnomAD 0.00001.
gnomAD v4.1: 1 of 1,612,592 alleles (0.000062%); highest among the groups gnomAD compares: African/African-American, 0.0013%; no homozygotes.

Submissions (5):

Dasa
Classification: Uncertain significance. Last evaluated: 2026-03-31. Review status: criteria provided, single submitter. Criteria: DASA Assertion Criteria. Collection method: clinical testing. Allele origin: germline.
Comment: NM_001042492.3(NF1):c.4655A>G (p.Lys1552Arg) is a missense variant that results in the substitution of lysine with arginine. This variant is rare in population databases. The currently available literature and clinical evidence are not sufficient to establish a definitive association between this variant and the reported condition. Therefore, this variant is classified as a variant of uncertain significance.

Labcorp Genetics (formerly Invitae), Labcorp
Classification: Uncertain significance for Neurofibromatosis, type 1. Last evaluated: 2025-09-08. Review status: criteria provided, single submitter. Criteria: Invitae Variant Classification Sherloc (09022015). Collection method: clinical testing. Allele origin: germline.
Comment: This sequence change replaces lysine, which is basic and polar, with arginine, which is basic and polar, at codon 1531 of the NF1 protein (p.Lys1531Arg). This variant is present in population databases (no rsID available, gnomAD 0.01%). This missense change has been observed in individual(s) with breast cancer (PMID: 35264596). ClinVar contains an entry for this variant (Variation ID: 584931). Invitae Evidence Modeling of protein sequence and biophysical properties (such as structural, functional, and spatial information, amino acid conservation, physicochemical variation, residue mobility, and thermodynamic stability) indicates that this missense variant is not expected to disrupt NF1 protein function with a negative predictive value of 95%. In summary, the available evidence is currently insufficient to determine the role of this variant in disease. Therefore, it has been classified as a Variant of Uncertain Significance.

Ambry Genetics
Classification: Uncertain significance for Cardiovascular phenotype; Hereditary cancer-predisposing syndrome. Last evaluated: 2022-09-18. Review status: criteria provided, single submitter. Criteria: Ambry Variant Classification Scheme 2023. Collection method: clinical testing. Allele origin: germline.
Comment: The p.K1531R variant (also known as c.4592A>G), located in coding exon 34 of the NF1 gene, results from an A to G substitution at nucleotide position 4592. The lysine at codon 1531 is replaced by arginine, an amino acid with highly similar properties. This amino acid position is conserved. In addition, this alteration is predicted to be tolerated by in silico analysis. Since supporting evidence is limited at this time, the clinical significance of this alteration remains unclear.

Genome-Nilou Lab
Classification: Uncertain significance for Neurofibromatosis, type 1. Last evaluated: 2022-03-15. Review status: criteria provided, single submitter. Criteria: ACMG Guidelines, 2015. Collection method: clinical testing. Allele origin: germline. Affected: no.

Mendelics
Classification: Uncertain significance for Neurofibromatosis, type 1. Last evaluated: 2018-07-02. Review status: criteria provided, single submitter. Criteria: Mendelics Assertion Criteria 2017. Collection method: clinical testing. Allele origin: unknown.

Literature cited by the submitters: PubMed 35264596 (cited by Labcorp Genetics (formerly Invitae), Labcorp).